The following is an entry in ClinVar:

ClinVar aggregate classification (germline): Uncertain significance. Review status: criteria provided, multiple submitters, no conflicts (2 of 4 stars). 2 submissions from 2 submitters: Uncertain significance (2). Last evaluated 2025-10-14.

Conditions:
Inborn genetic diseases. Identifiers: MedGen C0950123, MeSH D030342.

Allele frequency attached by ClinVar (database versions not stated): gnomAD 0.00001; TOPMed 0.00003; gnomAD exomes 0.00004; ExAC 0.00012.
gnomAD v4.1: 62 of 1,613,436 alleles (0.0038%); highest among the groups gnomAD compares: South Asian, 0.054%; 1 homozygote.

Submissions (2):

Labcorp Genetics (formerly Invitae), Labcorp
Classification: Uncertain significance. Last evaluated: 2025-10-14. Review status: criteria provided, single submitter. Criteria: Invitae Variant Classification Sherloc (09022015). Collection method: clinical testing. Allele origin: germline.
Comment: This sequence change replaces arginine, which is basic and polar, with tryptophan, which is neutral and slightly polar, at codon 552 of the OBSL1 protein (p.Arg552Trp). This variant is present in population databases (rs762360001, gnomAD 0.07%), including at least one homozygous and/or hemizygous individual. This variant has not been reported in the literature in individuals affected with OBSL1-related conditions. ClinVar contains an entry for this variant (Variation ID: 2184965). An algorithm developed to predict the effect of missense changes on protein structure and function (PolyPhen-2) suggests that this variant is likely to be disruptive. In summary, the available evidence is currently insufficient to determine the role of this variant in disease. Therefore, it has been classified as a Variant of Uncertain Significance.

Ambry Genetics
Classification: Uncertain significance for Inborn genetic diseases. Last evaluated: 2025-03-15. Review status: criteria provided, single submitter. Criteria: Ambry Variant Classification Scheme 2023. Collection method: clinical testing. Allele origin: germline.

NM_015311.3(OBSL1):c.1654C>T (p.Arg552Trp)

Gene: OBSL1 (obscurin like cytoskeletal adaptor 1; minus strand). Cytogenetic location: 2q35.
Variant type: single nucleotide variant.
Coding change: c.1654C>T on transcript NM_015311.3 (MANE Select); coding-DNA position 1654, C replaced by T.
Protein change: p.Arg552Trp; replaces arginine 552 with tryptophan.
Molecular consequence: missense variant.
Genome position (GRCh38, 1-based): chr2:219,567,456, G>A on the plus strand (C>T on the coding strand, the complement: OBSL1 is on the minus strand). VCF-style: chr2-219567456-G-A. GRCh37 (hg19) VCF-style: chr2-220432178-G-A.
Other names: c.1654C>T, p.Arg552Trp (NM_001173408.2, NM_001173431.2); c.1654C>T (NM_015311.2); short protein forms R552W.
Identifiers: ClinVar variation 2184965 (VCV002184965.4), dbSNP rs762360001, ClinGen allele CA2131470.